The following is an entry in ClinVar:

NM_005263.5(GFI1):c.1120G>T (p.Gly374Cys)

Genes: GFI1 (growth factor independent 1 transcriptional repressor; minus strand), LOC129930930 (ATAC-STARR-seq lymphoblastoid active region 1314; plus strand). Cytogenetic location: 1p22.1.
Variant type: single nucleotide variant.
Coding change: c.1120G>T on transcript NM_005263.5 (MANE Select); coding-DNA position 1120, G replaced by T.
Protein change: p.Gly374Cys; replaces glycine 374 with cysteine.
Molecular consequence: missense variant.
Genome position (GRCh38, 1-based): chr1:92,476,178, C>A on the plus strand (G>T on the coding strand, the complement: GFI1 is on the minus strand). VCF-style: chr1-92476178-C-A. GRCh37 (hg19) VCF-style: chr1-92941735-C-A.
Other names: c.1120G>T, p.Gly374Cys (NM_001127215.3, NM_001127216.3); short protein forms G374C.
Identifiers: ClinVar variation 4671590 (VCV004671590.1).
Genomic context (GRCh38, chr1:92,476,178, plus strand): 5'-TGAAGCCTGTGTGTTTGCGGCTGTGGGTGATGAGGTTGGAGCTCTGGCTGAATGCCTTGC[C>A]GCACACCTGGCACTTGTGAGGCTTCTCACCTGTGGGGATGGGAGGGGGAGGGGAGAAAGT-3'
Protein context (NP_005254.2, residues 364-384): GEKPHKCQVC[Gly374Cys]KAFSQSSNLI

ClinVar aggregate classification (germline): Uncertain significance (1 of 4 stars; one submission).

Submission:

Ambry Genetics
Classification: Uncertain significance. Last evaluated: 2025-10-30. Review status: criteria provided, single submitter. Criteria: Ambry Variant Classification Scheme 2023. Collection method: clinical testing. Allele origin: germline.
Comment: The p.G374C variant (also known as c.1120G>T), located in coding exon 6 of the GFI1 gene, results from a G to T substitution at nucleotide position 1120. The glycine at codon 374 is replaced by cysteine, an amino acid with highly dissimilar properties. This amino acid position is conserved. In addition, the in silico prediction for this alteration is inconclusive. Based on the available evidence, the clinical significance of this variant remains unclear.